The following is an entry in ClinVar:

NM_004006.3(DMD):c.10085C>G (p.Pro3362Arg)

Gene: DMD (dystrophin; minus strand). Cytogenetic location: Xp21.2.
Variant type: single nucleotide variant.
Coding change: c.10085C>G on transcript NM_004006.3 (MANE Select); coding-DNA position 10085, C replaced by G.
Protein change: p.Pro3362Arg; replaces proline 3362 with arginine.
Molecular consequence: missense variant.
Genome position (GRCh38, 1-based): chrX:31,180,371, G>C on the plus strand (C>G on the coding strand, the complement: DMD is on the minus strand). VCF-style: chrX-31180371-G-C. GRCh37 (hg19) VCF-style: chrX-31198488-G-C.
Other names: c.10061C>G, p.Pro3354Arg (NM_000109.4); c.10073C>G, p.Pro3358Arg (NM_004009.3); c.9716C>G, p.Pro3239Arg (NM_004010.3); c.6062C>G, p.Pro2021Arg (NM_004011.4); c.6053C>G, p.Pro2018Arg (NM_004012.4); c.2705C>G, p.Pro902Arg (NM_004013.3, NM_004020.4, NM_004021.3 and 2 more transcripts); c.1898C>G, p.Pro633Arg (NM_004014.3); c.881C>G, p.Pro294Arg (NM_004015.3, NM_004016.3, NM_004017.3 and 2 more transcripts); short protein forms P2018R, P2021R, P294R, P3239R, P3354R, P3358R, P3362R, P633R.
Identifiers: ClinVar variation 1176294 (VCV001176294.35), dbSNP rs1569423459, ClinGen allele CA412652984.

ClinVar aggregate classification (germline): Uncertain significance (1 of 4 stars; one submission).

Submission:

CeGaT Center for Human Genetics Tuebingen
Classification: Uncertain significance. Last evaluated: 2022-09-01. Review status: criteria provided, single submitter. Criteria: CeGaT Center For Human Genetics Tuebingen Variant Classification Criteria Version 2. Collection method: clinical testing. Allele origin: germline. Affected: yes. Observed: 2 variant alleles.
Comment: DMD: PM1, PM2, PP3